The following is an entry in ClinVar:

ClinVar aggregate classification (germline): Likely pathogenic. Review status: criteria provided, multiple submitters, no conflicts (2 of 4 stars). 2 submissions from 2 submitters: Likely pathogenic (2). Last evaluated 2023-10-10.

Conditions:
Bardet-Biedl syndrome 2 (BBS2). Identifiers: Orphanet 110, MedGen C2936863, MONDO:0014432, OMIM 615981.

Submissions (2):

UAEU Genomics Laboratory, United Arab Emirates University
Classification: Likely pathogenic for Bardet-Biedl syndrome 2. Last evaluated: 2023-10-10. Review status: criteria provided, single submitter. Criteria: ACMG Guidelines, 2015. Collection method: research. Allele origin: germline. Affected: yes. Observed: 1 variant allele.
Comment: PM2, PVS1

Myriad Genetics, Inc.
Classification: Likely pathogenic for Bardet-Biedl syndrome 2. Last evaluated: 2022-02-25. Review status: criteria provided, single submitter. Criteria: Myriad Women's Health Autosomal Recessive and X-Linked Classification Criteria (2021). Collection method: clinical testing. Allele origin: unknown.
Comment: NM_031885.3(BBS2):c.1502_1503delTT(F501Yfs*50) is expected to be pathogenic in the context of Bardet-Biedl syndrome, BBS2-related. This variant is predicted to lead to an abnormal or absent protein product due to the creation of a premature termination codon in BBS2, a gene where loss-of-function variants are known to be pathogenic. Please note: this variant was assessed in the context of healthy population screening.

NM_031885.5(BBS2):c.1502_1503del (p.Phe501fs)

Gene: BBS2 (Bardet-Biedl syndrome 2; minus strand). Cytogenetic location: 16q13.
Variant type: Deletion.
Coding change: c.1502_1503del on transcript NM_031885.5 (MANE Select); coding-DNA positions 1502 to 1503, 2 bases deleted (TT; older notation c.1502_1503delTT).
Protein change: p.Phe501fs; shifts the reading frame from phenylalanine 501.
Molecular consequence: frameshift variant. On other transcripts: non-coding transcript variant (5).
Genome position (GRCh38, 1-based): chr16:56,499,802-56,499,803, AA deleted on the plus strand (TT on the coding strand, the reverse complement: BBS2 is on the minus strand); deleting any 2 consecutive bases within chr16:56,499,802-56,499,804 gives the same sequence; the c. name uses the placement nearest the transcript's 3' end. VCF-style (leftmost placement, unchanged base first): chr16-56499801-TAA-T. GRCh37 (hg19) VCF-style: chr16-56533713-TAA-T.
Other names: c.1502_1503delTT (NM_031885.5); c.1502_1503del, p.Phe501fs (NM_001377456.1); short protein forms F501fs.
Identifiers: ClinVar variation 1724748 (VCV001724748.3), dbSNP rs2543704303, ClinGen allele CA2580091653.